The following is an entry in ClinVar:

ClinVar aggregate classification (germline): Conflicting classifications of pathogenicity. Review status: criteria provided, conflicting classifications (1 of 4 stars). 2 submissions from 2 submitters: Uncertain significance (1); Likely benign (1). Last evaluated 2026-02-10.

Conditions:
GNB4-related disorder. Also called: GNB4-related condition.
Charcot-Marie-Tooth disease dominant intermediate F. Identifiers: Orphanet 352670, MedGen C4749463, MONDO:0014074, OMIM 615185.

Allele frequency attached by ClinVar (database versions not stated): gnomAD exomes 0.00001; TOPMed 0.00003; gnomAD 0.00005.
gnomAD v4.1: 16 of 1,604,280 alleles (0.001%); highest among the groups gnomAD compares: African/African-American, 0.021%; no homozygotes.

Submissions (2):

PreventionGenetics, part of Exact Sciences
Classification: Likely benign for GNB4-related condition. Last evaluated: 2026-02-10. Review status: criteria provided, single submitter. Criteria: ACMG Guidelines, 2015. Collection method: clinical testing. Allele origin: germline.
Comment: This variant is classified as likely benign based on ACMG/AMP sequence variant interpretation guidelines (Richards et al. 2015 PMID: 25741868, with internal and published modifications).

Labcorp Genetics (formerly Invitae), Labcorp
Classification: Uncertain significance for Charcot-Marie-Tooth disease dominant intermediate F. Last evaluated: 2024-09-29. Review status: criteria provided, single submitter. Criteria: Invitae Variant Classification Sherloc (09022015). Collection method: clinical testing. Allele origin: germline.
Comment: This sequence change falls in intron 9 of the GNB4 gene. It does not directly change the encoded amino acid sequence of the GNB4 protein. This variant is present in population databases (no rsID available, gnomAD 0.01%). This variant has not been reported in the literature in individuals affected with GNB4-related conditions. ClinVar contains an entry for this variant (Variation ID: 2158938). Algorithms developed to predict the effect of sequence changes on RNA splicing suggest that this variant may disrupt the consensus splice site. In summary, the available evidence is currently insufficient to determine the role of this variant in disease. Therefore, it has been classified as a Variant of Uncertain Significance.

NM_021629.4(GNB4):c.917-5T>C

Gene: GNB4 (G protein subunit beta 4; minus strand). Cytogenetic location: 3q26.33.
Variant type: single nucleotide variant.
Coding change: c.917-5T>C on transcript NM_021629.4 (MANE Select); 5 bases into the intron before coding-DNA position 917, T replaced by C.
Molecular consequence: intron variant.
Genome position (GRCh38, 1-based): chr3:179,401,324, A>G on the plus strand (T>C on the coding strand, the complement: GNB4 is on the minus strand). VCF-style: chr3-179401324-A-G. GRCh37 (hg19) VCF-style: chr3-179119112-A-G.
Other names: c.917-5T>C (NM_021629.3).
Identifiers: ClinVar variation 2158938 (VCV002158938.5), dbSNP rs938943088, ClinGen allele CA88569599.